The following is an entry in ClinVar:

NM_000057.4(BLM):c.2242_2255del (p.Asn748fs)

Gene: BLM (BLM RecQ like helicase; plus strand). Cytogenetic location: 15q26.1.
Variant type: Deletion.
Coding change: c.2242_2255del on transcript NM_000057.4 (MANE Select); coding-DNA positions 2242 to 2255, 14 bases deleted (AATATTTACCTCCA).
Protein change: p.Asn748fs; shifts the reading frame from asparagine 748.
Molecular consequence: frameshift variant.
Genome position (GRCh38, 1-based): chr15:90,766,958-90,766,971, AATATTTACCTCCA deleted; deleting any 14 consecutive bases within chr15:90,766,956-90,766,971 gives the same sequence; the c. name uses the placement nearest the transcript's 3' end. VCF-style (leftmost placement, unchanged base first): chr15-90766955-ACAAATATTTACCTC-A. GRCh37 (hg19) VCF-style: chr15-91310185-ACAAATATTTACCTC-A.
Other names: c.2242_2255del, p.Asn748fs (NM_001287246.2, NM_001287247.2); c.1117_1130del, p.Asn373fs (NM_001287248.2); short protein forms N748fs, N373fs.
Identifiers: ClinVar variation 2015988 (VCV002015988.4), dbSNP rs2505447070, ClinGen allele CA2580090571.

ClinVar aggregate classification (germline): Pathogenic (1 of 4 stars; one submission).

Conditions:
Bloom syndrome (BLM). Also called: Bloom-Torre-Machacek syndrome. Identifiers: Orphanet 125, MedGen C0005859, MONDO:0008876, OMIM 210900.

Submission:

Labcorp Genetics (formerly Invitae), Labcorp
Classification: Pathogenic for Bloom syndrome. Last evaluated: 2022-07-11. Review status: criteria provided, single submitter. Criteria: Invitae Variant Classification Sherloc (09022015). Collection method: clinical testing. Allele origin: germline.
Comment: For these reasons, this variant has been classified as Pathogenic. This sequence change creates a premature translational stop signal (p.Asn748Valfs*22) in the BLM gene. It is expected to result in an absent or disrupted protein product. Loss-of-function variants in BLM are known to be pathogenic (PMID: 17407155). This variant is not present in population databases (gnomAD no frequency). This variant has not been reported in the literature in individuals affected with BLM-related conditions.

Literature cited by the submitters: PubMed 17407155.